The following is an entry in ClinVar:

NM_001387430.1(SH2B1):c.2100C>T (p.Pro700=)

Gene: SH2B1 (SH2B adaptor protein 1; plus strand). Cytogenetic location: 16p11.2.
Variant type: single nucleotide variant.
Coding change: c.2100C>T on transcript NM_001387430.1 (MANE Select); coding-DNA position 2100, C replaced by T.
Protein change: p.Pro700=; no amino-acid change (proline 700 retained).
Molecular consequence: synonymous variant. On other transcripts: 3 prime UTR variant (5).
Genome position (GRCh38, 1-based): chr16:28,873,649, C>T. VCF-style: chr16-28873649-C-T. GRCh37 (hg19) VCF-style: chr16-28884970-C-T.
Other names: c.2100C>T (NM_001145795.1); c.2100C>T, p.Pro700= (NM_001145795.2, NM_001308293.2, NM_001387404.1); c.*184C>T (NM_001145796.2, NM_001145812.2, NM_001308294.2 and 1 more transcripts); c.*201C>T (NM_001145797.2).
Identifiers: ClinVar variation 1600459 (VCV001600459.10), dbSNP rs541419865, ClinGen allele CA7986441.

ClinVar aggregate classification (germline): Benign. Review status: criteria provided, single submitter (1 of 4 stars). 2 submissions from 2 submitters: Benign (1). 1 of the submissions does not count toward it. Last evaluated 2021-08-06.

Conditions:
SH2B1-related disorder. Also called: SH2B1-related condition.

Allele frequency attached by ClinVar (database versions not stated): ExAC 0.00135; gnomAD 0.00001 and 0.00006; TOPMed 0.00002; 1000 Genomes Project 0.00020; gnomAD exomes 0.00039; 1000 Genomes Project 30x 0.00047.
gnomAD v4.1: 183 of 1,533,340 alleles (0.012%); highest among the groups gnomAD compares: South Asian, 0.21%; 5 homozygotes.

Submissions (2):

Labcorp Genetics (formerly Invitae), Labcorp
Classification: Benign. Last evaluated: 2021-08-06. Review status: criteria provided, single submitter. Criteria: Invitae Variant Classification Sherloc (09022015). Collection method: clinical testing. Allele origin: germline.

PreventionGenetics, part of Exact Sciences
Classification: Likely benign for SH2B1-related condition. Last evaluated: 2021-12-31. Review status: no assertion criteria provided. Collection method: clinical testing. Allele origin: germline. Not counted in ClinVar's aggregate classification.
Comment: This variant is classified as likely benign based on ACMG/AMP sequence variant interpretation guidelines (Richards et al. 2015 PMID: 25741868, with internal and published modifications).